The following is an entry in ClinVar:

ClinVar aggregate classification (germline): Conflicting classifications of pathogenicity. Review status: criteria provided, conflicting classifications (1 of 4 stars). 2 submissions from 2 submitters: Pathogenic (1); Uncertain significance (1). Last evaluated 2026-07-15.

Conditions:
Hereditary cancer-predisposing syndrome. Also called: Hereditary Cancer Syndrome; Neoplastic Syndromes, Hereditary; Hereditary neoplastic syndrome; Tumor predisposition. Identifiers: Orphanet 140162, MedGen C0027672, MeSH D009386, MONDO:0015356.
Cardiovascular phenotype. Identifiers: MedGen CN230736.

gnomAD v4.1: 1 of 1,613,668 alleles (0.000062%); highest among the groups gnomAD compares: South Asian, 0.0011%; no homozygotes.

Submissions (2):

Ambry Genetics
Classification: Pathogenic for Cardiovascular phenotype; Hereditary cancer-predisposing syndrome. Last evaluated: 2026-07-15. Review status: criteria provided, single submitter. Criteria: Ambry Variant Classification Scheme 2023. Collection method: clinical testing. Allele origin: germline.
Comment: The c.2406G>C pathogenic mutation (also known as p.K802N), located in coding exon 20 of the LZTR1 gene, results from a G to C substitution at nucleotide position 2406. The amino acid change results in lysine to asparagine at codon 802, an amino acid with similar properties. However, this change occurs in the last base pair of coding exon 20, which makes it likely to have some effect on normal mRNA splicing. This variant was reported in individual(s) with features consistent with LZTR1-related schwannomatosis (Ambry internal data). This nucleotide position is highly conserved in available vertebrate species. In silico splice site analysis predicts that this alteration will weaken the native splice donor site. RNA studies have demonstrated that this alteration results in abnormal splicing in the set of samples tested (Ambry internal data). This variant is considered to be rare based on population cohorts in the Genome Aggregation Database (gnomAD). Based on the supporting evidence, this variant is pathogenic for an increased risk of LZTR1-related schwannomatosis (SWN) and would be expected to cause autosomal recessive Noonan syndrome when present along with a second pathogenic or likely pathogenic variant on the other allele.

Labcorp Genetics (formerly Invitae), Labcorp
Classification: Uncertain significance. Last evaluated: 2024-11-11. Review status: criteria provided, single submitter. Criteria: Invitae Variant Classification Sherloc (09022015). Collection method: clinical testing. Allele origin: germline.
Comment: This sequence change replaces lysine, which is basic and polar, with asparagine, which is neutral and polar, at codon 802 of the LZTR1 protein (p.Lys802Asn). This variant also falls at the last nucleotide of exon 20, which is part of the consensus splice site for this exon. This variant is not present in population databases (gnomAD no frequency). This variant has not been reported in the literature in individuals affected with LZTR1-related conditions. ClinVar contains an entry for this variant (Variation ID: 1415669). An algorithm developed to predict the effect of missense changes on protein structure and function (PolyPhen-2) suggests that this variant is likely to be disruptive. Variants that disrupt the consensus splice site are a relatively common cause of aberrant splicing (PMID: 17576681, 9536098). Algorithms developed to predict the effect of sequence changes on RNA splicing suggest that this variant may disrupt the consensus splice site. In summary, the available evidence is currently insufficient to determine the role of this variant in disease. Therefore, it has been classified as a Variant of Uncertain Significance.

Literature cited by the submitters: PubMed 17576681 (cited by Labcorp Genetics (formerly Invitae), Labcorp); PubMed 9536098 (cited by Labcorp Genetics (formerly Invitae), Labcorp).

NM_006767.4(LZTR1):c.2406G>C (p.Lys802Asn)

Gene: LZTR1 (leucine zipper like post translational regulator 1; plus strand). Cytogenetic location: 22q11.21.
Variant type: single nucleotide variant.
Coding change: c.2406G>C on transcript NM_006767.4 (MANE Select); coding-DNA position 2406, G replaced by C.
Protein change: p.Lys802Asn; replaces lysine 802 with asparagine.
Molecular consequence: missense variant.
Genome position (GRCh38, 1-based): chr22:20,996,966, G>C. VCF-style: chr22-20996966-G-C. GRCh37 (hg19) VCF-style: chr22-21351255-G-C.
Other names: c.2406G>C (NM_006767.3); short protein forms K802N.
Identifiers: ClinVar variation 1415669 (VCV001415669.10), dbSNP rs1284200353, ClinGen allele CA410781291.
Genomic context (GRCh38, chr22:20,996,966, plus strand): 5'-AACGCAGGCACTGGACATGAAGCGGCACTGCCTGCACATCATTGTGCACCAGTTCACCAA[G>C]GTCAGGGCTCTGGCCTCCCCTTCAGGACTCGCTTCCCCTTGGCAGTGGCCATGCCCAGGC-3'
Protein context (NP_006758.2, residues 792-812): CLHIIVHQFT[Lys802Asn]VSKLPTLRSL